The following is an entry in ClinVar:

ClinVar aggregate classification (germline): Pathogenic (1 of 4 stars; one submission).

Conditions:
GLUT1 deficiency syndrome 1, autosomal recessive. Identifiers: MedGen C3149117.

Submission:

Labcorp Genetics (formerly Invitae), Labcorp
Classification: Pathogenic for GLUT1 deficiency syndrome 1, autosomal recessive. Last evaluated: 2023-12-09. Review status: criteria provided, single submitter. Criteria: Invitae Variant Classification Sherloc (09022015). Collection method: clinical testing. Allele origin: germline.
Comment: This sequence change creates a premature translational stop signal (p.Leu367Glnfs*13) in the SLC2A1 gene. It is expected to result in an absent or disrupted protein product. Loss-of-function variants in SLC2A1 are known to be pathogenic (PMID: 21832227, 26193382). This variant is not present in population databases (gnomAD no frequency). This variant has not been reported in the literature in individuals affected with SLC2A1-related conditions. For these reasons, this variant has been classified as Pathogenic.

Literature cited by the submitters: PubMed 21832227; PubMed 26193382.

NM_006516.4(SLC2A1):c.1100_1101del (p.Leu367fs)

Gene: SLC2A1 (solute carrier family 2 member 1; minus strand). Cytogenetic location: 1p34.2.
Variant type: Deletion.
Coding change: c.1100_1101del on transcript NM_006516.4 (MANE Select); coding-DNA positions 1100 to 1101, 2 bases deleted (TG; older notation c.1100_1101delTG).
Protein change: p.Leu367fs; shifts the reading frame from leucine 367.
Molecular consequence: frameshift variant.
Genome position (GRCh38, 1-based): chr1:42,927,782-42,927,783, CA deleted on the plus strand (TG on the coding strand, the reverse complement: SLC2A1 is on the minus strand). VCF-style (leftmost placement, unchanged base first): chr1-42927781-TCA-T. GRCh37 (hg19) VCF-style: chr1-43393452-TCA-T.
Other names: short protein forms L367fs.
Identifiers: ClinVar variation 2701748 (VCV002701748.3), dbSNP rs2524984967, ClinGen allele CA2697552356.